The following is an entry in ClinVar:

ClinVar aggregate classification (germline): Likely benign (0 of 4 stars; one submission).

Conditions:
DUSP22-related disorder. Also called: DUSP22-related condition.

gnomAD v4.1: 146 of 1,614,186 alleles (0.009%); highest among the groups gnomAD compares: East Asian, 0.3%; no homozygotes.

Submission:

PreventionGenetics, part of Exact Sciences
Classification: Likely benign for DUSP22-related condition. Last evaluated: 2024-05-20. Review status: no assertion criteria provided. Collection method: clinical testing. Allele origin: germline.
Comment: This variant is classified as likely benign based on ACMG/AMP sequence variant interpretation guidelines (Richards et al. 2015 PMID: 25741868, with internal and published modifications).

NM_001286555.3(DUSP22):c.*1871C>G

Gene: DUSP22 (dual specificity phosphatase 22; plus strand). Cytogenetic location: 6p25.3.
Variant type: single nucleotide variant.
Coding change: c.*1871C>G on transcript NM_001286555.3 (MANE Select); 1871 bases downstream of the stop codon, C replaced by G.
Molecular consequence: 3 prime UTR variant. On other transcripts: missense variant (1), non-coding transcript variant (3).
Genome position (GRCh38, 1-based): chr6:350,822, C>G. VCF-style: chr6-350822-C-G. GRCh37 (hg19) VCF-style: chr6-350822-C-G.
Other names: c.509C>G, p.Ala170Gly (NM_020185.6); short protein forms A170G.
Identifiers: ClinVar variation 3352135 (VCV003352135.1).